The following is an entry in ClinVar:

NM_004006.3(DMD):c.5565_5568del (p.Thr1856fs)

Gene: DMD (dystrophin; minus strand). Cytogenetic location: Xp21.1.
Variant type: Deletion.
Coding change: c.5565_5568del on transcript NM_004006.3 (MANE Select); coding-DNA positions 5565 to 5568, 4 bases deleted (GACA; older notation c.5565_5568delGACA).
Protein change: p.Thr1856fs; shifts the reading frame from threonine 1856.
Molecular consequence: frameshift variant.
Genome position (GRCh38, 1-based): chrX:32,345,961-32,345,964, TGTC deleted on the plus strand (GACA on the coding strand, the reverse complement: DMD is on the minus strand); deleting any 4 consecutive bases within chrX:32,345,961-32,345,967 gives the same sequence; the c. name uses the placement nearest the transcript's 3' end. VCF-style (leftmost placement, unchanged base first): chrX-32345960-TTGTC-T. GRCh37 (hg19) VCF-style: chrX-32364077-TTGTC-T.
Other names: c.5541_5544del, p.Thr1848fs (NM_000109.4); c.5562_5565delACAG, p.Thr1856Asnfs (NM_004006.2); c.5553_5556del, p.Thr1852fs (NM_004009.3); c.5196_5199del, p.Thr1733fs (NM_004010.3); c.1542_1545del, p.Thr515fs (NM_004011.4); c.1533_1536del, p.Thr512fs (NM_004012.4); c.5565_5568del (NM_004006.2); short protein forms T515fs, T1848fs, T1856fs, T512fs, T1733fs, T1852fs.
Identifiers: ClinVar variation 2737155 (VCV002737155.4), dbSNP rs2521959483, ClinGen allele CA2580610889.

ClinVar aggregate classification (germline): Pathogenic. Review status: criteria provided, multiple submitters, no conflicts (2 of 4 stars). 2 submissions from 2 submitters: Pathogenic (2). Last evaluated 2023-07-10.

Conditions:
Duchenne muscular dystrophy (DMD). Also called: MUSCULAR DYSTROPHY, PSEUDOHYPERTROPHIC PROGRESSIVE, DUCHENNE TYPE; Duchenne Muscular Dystrophy (DMD). Identifiers: Orphanet 98896, MedGen C0013264, MONDO:0010679, OMIM 310200.

Submissions (2):

Labcorp Genetics (formerly Invitae), Labcorp
Classification: Pathogenic for Duchenne muscular dystrophy. Last evaluated: 2023-07-10. Review status: criteria provided, single submitter. Criteria: Invitae Variant Classification Sherloc (09022015). Collection method: clinical testing. Allele origin: germline.
Comment: This sequence change creates a premature translational stop signal (p.Thr1856Asnfs*8) in the DMD gene. It is expected to result in an absent or disrupted protein product. Loss-of-function variants in DMD are known to be pathogenic (PMID: 16770791, 25007885). This variant is not present in population databases (gnomAD no frequency). This premature translational stop signal has been observed in individual(s) with dystrophinopathies (PMID: 15351422). For these reasons, this variant has been classified as Pathogenic.

GeneDx
Classification: Pathogenic. Last evaluated: 2023-06-20. Review status: criteria provided, single submitter. Criteria: GeneDx Variant Classification Process June 2021. Collection method: clinical testing. Allele origin: germline. Affected: yes.
Comment: Frameshift variant predicted to result in protein truncation or nonsense mediated decay in a gene for which loss of function is a known mechanism of disease; Not observed at significant frequency in large population cohorts (gnomAD); This variant is associated with the following publications: (PMID: 15351422)

Literature cited by the submitters: PubMed 16770791 (cited by Labcorp Genetics (formerly Invitae), Labcorp); PubMed 25007885 (cited by Labcorp Genetics (formerly Invitae), Labcorp); PubMed 15351422 (cited by Labcorp Genetics (formerly Invitae), Labcorp).